The following is an entry in ClinVar:

ClinVar aggregate classification (germline): Likely pathogenic (1 of 4 stars; one submission).

Allele frequency attached by ClinVar (database versions not stated): gnomAD exomes below 0.00001.
gnomAD v4.1: 1 of 766,006 alleles (0.00013%); highest among the groups gnomAD compares: Non-Finnish European, 0.00024%; no homozygotes.

Submission:

Labcorp Genetics (formerly Invitae), Labcorp
Classification: Likely pathogenic. Last evaluated: 2022-05-13. Review status: criteria provided, single submitter. Criteria: Invitae Variant Classification Sherloc (09022015). Collection method: clinical testing. Allele origin: germline.
Comment: This sequence change affects an acceptor splice site in intron 11 of the CDH23 gene. It is expected to disrupt RNA splicing. Variants that disrupt the donor or acceptor splice site typically lead to a loss of protein function (PMID: 16199547), and loss-of-function variants in CDH23 are known to be pathogenic (PMID: 11138009, 21940737). This variant is not present in population databases (gnomAD no frequency). This variant has not been reported in the literature in individuals affected with CDH23-related conditions. Algorithms developed to predict the effect of sequence changes on RNA splicing suggest that this variant may disrupt the consensus splice site. In summary, the currently available evidence indicates that the variant is pathogenic, but additional data are needed to prove that conclusively. Therefore, this variant has been classified as Likely Pathogenic.

Literature cited by the submitters: PubMed 16199547; PubMed 11138009; PubMed 21940737.

NM_022124.6(CDH23):c.1135-2A>C

Gene: CDH23 (cadherin related 23; plus strand). Cytogenetic location: 10q22.1.
Variant type: single nucleotide variant.
Coding change: c.1135-2A>C on transcript NM_022124.6 (MANE Select); the canonical splice acceptor site of the intron before coding-DNA position 1135, A replaced by C.
Molecular consequence: splice acceptor variant.
Genome position (GRCh38, 1-based): chr10:71,643,859, A>C. VCF-style: chr10-71643859-A-C. GRCh37 (hg19) VCF-style: chr10-73403616-A-C.
Other names: c.1135-2A>C (NM_001171930.2, NM_001171931.2, NM_052836.4).
Identifiers: ClinVar variation 2154091 (VCV002154091.4), dbSNP rs2493807418, ClinGen allele CA377127110.